The following is an entry in ClinVar:

NM_015922.3(NSDHL):c.890A>G (p.Tyr297Cys)

Gene: NSDHL (NAD(P) dependent 3-beta-hydroxysteroid dehydrogenase NSDHL; plus strand). Cytogenetic location: Xq28.
Variant type: single nucleotide variant.
Coding change: c.890A>G on transcript NM_015922.3 (MANE Select); coding-DNA position 890, A replaced by G.
Protein change: p.Tyr297Cys; replaces tyrosine 297 with cysteine.
Molecular consequence: missense variant.
Genome position (GRCh38, 1-based): chrX:152,868,884, A>G. VCF-style: chrX-152868884-A-G. GRCh37 (hg19) VCF-style: chrX-152037428-A-G.
Other names: c.890A>G, p.Tyr297Cys (NM_001129765.2); short protein forms Y297C.
Identifiers: ClinVar variation 2089652 (VCV002089652.4), dbSNP rs781876487, ClinGen allele CA415287251.
Genomic context (GRCh38, chrX:152,868,884, plus strand): 5'-CATTCCTGTCTCGCATCCTGACAGGCCTCAATTATGAGGCCCCCAAGTACCACATCCCCT[A>G]CTGGGTGGCCTACTACCTGGCCCTCCTGCTATCCCTGCTGGTGATGGTGATCAGTCCTGT-3'
Protein context (NP_057006.1, residues 287-307): NYEAPKYHIP[Tyr297Cys]WVAYYLALLL

ClinVar aggregate classification (germline): Uncertain significance (1 of 4 stars; one submission).

gnomAD v4.1: 3 of 1,210,801 alleles (0.00025%); highest among the groups gnomAD compares: Non-Finnish European, 0.00022%; no homozygotes.

Submission:

Labcorp Genetics (formerly Invitae), Labcorp
Classification: Uncertain significance. Last evaluated: 2024-02-24. Review status: criteria provided, single submitter. Criteria: Invitae Variant Classification Sherloc (09022015). Collection method: clinical testing. Allele origin: germline.
Comment: This sequence change replaces tyrosine, which is neutral and polar, with cysteine, which is neutral and slightly polar, at codon 297 of the NSDHL protein (p.Tyr297Cys). This variant is not present in population databases (gnomAD no frequency). This variant has not been reported in the literature in individuals affected with NSDHL-related conditions. ClinVar contains an entry for this variant (Variation ID: 2089652). An algorithm developed to predict the effect of missense changes on protein structure and function (PolyPhen-2) suggests that this variant is likely to be tolerated. In summary, the available evidence is currently insufficient to determine the role of this variant in disease. Therefore, it has been classified as a Variant of Uncertain Significance.